The following is an entry in ClinVar:

ClinVar aggregate classification (germline): Uncertain significance (1 of 4 stars; one submission).

Conditions:
Hereditary spastic paraplegia 11. Also called: Spastic Paraplegia 11; SPASTIC PARAPLEGIA, AUTOSOMAL RECESSIVE, COMPLICATED, WITH THIN CORPUS CALLOSUM; SPASTIC PARAPLEGIA, AUTOSOMAL RECESSIVE, WITH MENTAL IMPAIRMENT AND THIN CORPUS CALLOSUM; Spastic paraplegia, mental retardation and thin corpus callosum; Nakamura Osame syndrome; Autosomal recessive hereditary spastic paraplegia, mental impairment, and thin corpus callosum. Identifiers: Orphanet 2822, MedGen C1858479, MONDO:0011445, OMIM 604360.

Allele frequency attached by ClinVar (database versions not stated): ExAC 0.00001.
gnomAD v4.1: 4 of 1,614,100 alleles (0.00025%); highest among the groups gnomAD compares: South Asian, 0.0033%; no homozygotes.

Submission:

Neuberg Centre For Genomic Medicine, NCGM
Classification: Uncertain significance for Hereditary spastic paraplegia 11. Review status: criteria provided, single submitter. Criteria: ACMG Guidelines, 2015. Collection method: clinical testing. Allele origin: germline. Inheritance: Autosomal recessive inheritance. Affected: yes.
Comment: The missense variant p.P2345S in SPG11 (NM_025137.4) has not been reported previously as a pathogenic variant nor as a benign variant, to our knowledge. The p.P2345S variant is observed in 3/30,614 (0.0098%) alleles from individuals of South Asian background in gnomAD Exomes and is novel (not in any individuals) in 1000 Genomes. There is a moderate physicochemical difference between proline and serine. The p.P2345S missense variant is predicted to be damaging by both SIFT and PolyPhen2. The proline residue at codon 2345 of SPG11 is conserved in all mammalian species. The nucleotide c.7033 in SPG11 is predicted conserved by GERP++ and PhyloP across 100 vertebrates. For these reasons, this variant has been classified as Uncertain Significance.

NM_025137.4(SPG11):c.7033C>T (p.Pro2345Ser)

Gene: SPG11 (SPG11 vesicle trafficking associated, spatacsin; minus strand). Cytogenetic location: 15q21.1.
Variant type: single nucleotide variant.
Coding change: c.7033C>T on transcript NM_025137.4 (MANE Select); coding-DNA position 7033, C replaced by T.
Protein change: p.Pro2345Ser; replaces proline 2345 with serine.
Molecular consequence: missense variant.
Genome position (GRCh38, 1-based): chr15:44,564,665, G>A on the plus strand (C>T on the coding strand, the complement: SPG11 is on the minus strand). VCF-style: chr15-44564665-G-A. GRCh37 (hg19) VCF-style: chr15-44856863-G-A.
Other names: c.6694C>T, p.Pro2232Ser (NM_001160227.2); c.6889C>T, p.Pro2297Ser (NM_001411132.1); short protein forms P2232S, P2297S, P2345S.
Identifiers: ClinVar variation 2584853 (VCV002584853.1), dbSNP rs769744096, ClinGen allele CA7533916.
Genomic context (GRCh38, chr15:44,564,665, plus strand): 5'-CCAAGTAATTAAAGTCTCCTTTAAGAATCACTTGCTGGTATAAAATTTCAGCCCAATCTG[G>A]AACAAAATCGTAGGCCTCAGCCACAATAGAAGCCTTAAAAGGAGAGGTGAAGAAGGACAC-3'
Protein context (NP_079413.3, residues 2335-2355): SIVAEAYDFV[Pro2345Ser]DWAEILYQQV